The following is an entry in ClinVar:

NM_003107.3(SOX4):c.329G>C (p.Arg110Pro)

Gene: SOX4 (SRY-box transcription factor 4; plus strand). Cytogenetic location: 6p22.3.
Variant type: single nucleotide variant.
Coding change: c.329G>C on transcript NM_003107.3 (MANE Select); coding-DNA position 329, G replaced by C.
Protein change: p.Arg110Pro; replaces arginine 110 with proline.
Molecular consequence: missense variant.
Genome position (GRCh38, 1-based): chr6:21,594,863, G>C. VCF-style: chr6-21594863-G-C. GRCh37 (hg19) VCF-style: chr6-21595094-G-C.
Other names: short protein forms R110P.
Identifiers: ClinVar variation 3321646 (VCV003321646.3).

ClinVar aggregate classification (germline): Uncertain significance. Review status: criteria provided, multiple submitters, no conflicts (2 of 4 stars). 2 submissions from 2 submitters: Uncertain significance (2). Last evaluated 2024-08-28.

Conditions:
Inborn genetic diseases. Identifiers: MedGen C0950123, MeSH D030342.

Submissions (2):

GeneDx
Classification: Uncertain significance. Last evaluated: 2024-08-28. Review status: criteria provided, single submitter. Criteria: GeneDx Variant Classification Process June 2021. Collection method: clinical testing. Allele origin: germline. Affected: yes.
Comment: Not observed at significant frequency in large population cohorts (gnomAD); In silico analysis supports that this missense variant has a deleterious effect on protein structure/function; Has not been previously published as pathogenic or benign to our knowledge; This variant is associated with the following publications: (PMID: 39057025)

Ambry Genetics
Classification: Uncertain significance for Inborn genetic diseases. Last evaluated: 2024-08-05. Review status: criteria provided, single submitter. Criteria: Ambry Variant Classification Scheme 2023. Collection method: clinical testing. Allele origin: germline.
Comment: The c.329G>C (p.R110P) alteration is located in exon 1 (coding exon 1) of the SOX4 gene. This alteration results from a G to C substitution at nucleotide position 329, causing the arginine (R) at amino acid position 110 to be replaced by a proline (P). This variant was not reported in population-based cohorts in the Genome Aggregation Database (gnomAD). This amino acid position is well conserved in available vertebrate species. The in silico prediction for this alteration is inconclusive. Based on insufficient or conflicting evidence, the clinical significance of this alteration remains unclear.